The following is an entry in ClinVar:

NM_006031.6(PCNT):c.1918T>G (p.Ser640Ala)

Gene: PCNT (pericentrin; plus strand). Cytogenetic location: 21q22.3.
Variant type: single nucleotide variant.
Coding change: c.1918T>G on transcript NM_006031.6 (MANE Select); coding-DNA position 1918, T replaced by G.
Protein change: p.Ser640Ala; replaces serine 640 with alanine.
Molecular consequence: missense variant.
Genome position (GRCh38, 1-based): chr21:46,355,608, T>G. VCF-style: chr21-46355608-T-G. GRCh37 (hg19) VCF-style: chr21-47775523-T-G.
Other names: c.1564T>G, p.Ser522Ala (NM_001315529.2); c.1918T>G (NM_006031.5); short protein forms S522A, S640A.
Identifiers: ClinVar variation 1419393 (VCV001419393.7), dbSNP rs560044100, ClinGen allele CA10078807.

ClinVar aggregate classification (germline): Uncertain significance. Review status: criteria provided, single submitter (1 of 4 stars). 2 submissions from 2 submitters: Uncertain significance (1). 1 of the submissions does not count toward it. Last evaluated 2024-11-18.

Conditions:
PCNT-related disorder. Also called: PCNT-related condition.

Allele frequency attached by ClinVar (database versions not stated): gnomAD exomes below 0.00001; TOPMed below 0.00001; ExAC 0.00001; gnomAD 0.00001; 1000 Genomes Project 30x 0.00016; 1000 Genomes Project 0.00020.

Submissions (2):

Labcorp Genetics (formerly Invitae), Labcorp
Classification: Uncertain significance. Last evaluated: 2024-11-18. Review status: criteria provided, single submitter. Criteria: Invitae Variant Classification Sherloc (09022015). Collection method: clinical testing. Allele origin: germline.
Comment: This sequence change replaces serine, which is neutral and polar, with alanine, which is neutral and non-polar, at codon 640 of the PCNT protein (p.Ser640Ala). The frequency data for this variant in the population databases is considered unreliable, as metrics indicate poor data quality at this position in the gnomAD database. This variant has not been reported in the literature in individuals affected with PCNT-related conditions. ClinVar contains an entry for this variant (Variation ID: 1419393). An algorithm developed to predict the effect of missense changes on protein structure and function (PolyPhen-2) suggests that this variant is likely to be tolerated. In summary, the available evidence is currently insufficient to determine the role of this variant in disease. Therefore, it has been classified as a Variant of Uncertain Significance.

PreventionGenetics, part of Exact Sciences
Classification: Uncertain significance for PCNT-related condition. Last evaluated: 2024-09-25. Review status: no assertion criteria provided. Collection method: clinical testing. Allele origin: germline. Not counted in ClinVar's aggregate classification.
Comment: The PCNT c.1918T>G variant is predicted to result in the amino acid substitution p.Ser640Ala. To our knowledge, this variant has not been reported in the literature. This variant is reported in 0.0062% of alleles in individuals of African descent in gnomAD. At this time, the clinical significance of this variant is uncertain due to the absence of conclusive functional and genetic evidence.